The following is an entry in ClinVar:

ClinVar aggregate classification (germline): Pathogenic/Likely pathogenic. Review status: criteria provided, multiple submitters, no conflicts (2 of 4 stars). 3 submissions from 3 submitters: Pathogenic (1); Likely pathogenic (2). Last evaluated 2025-09-02.

Conditions:
Congenital muscular dystrophy due to integrin alpha-7 deficiency. Also called: MYOPATHY, CONGENITAL, DUE TO INTEGRIN ALPHA-7 DEFICIENCY; Congenital muscular dystrophy with integrin alpha-7 deficiency; Muscular dystrophy, congenital, due to ITGA7 deficiency. Identifiers: Orphanet 34520, MedGen C2750786, MONDO:0013177, OMIM 613204.

Submissions (3):

First Genomix Gene Laboratory, Genetic Diagnostics Department
Classification: Likely pathogenic for Congenital muscular dystrophy due to integrin alpha-7 deficiency. Last evaluated: 2025-09-02. Review status: criteria provided, single submitter. Criteria: ACMG Guidelines, 2015. Collection method: clinical testing. Allele origin: germline. Inheritance: Autosomal recessive inheritance. Affected: no. Observed: 1 variant allele.

Revvity Omics, Revvity
Classification: Likely pathogenic for Congenital muscular dystrophy due to integrin alpha-7 deficiency. Last evaluated: 2024-04-10. Review status: criteria provided, single submitter. Criteria: ACMG Guidelines, 2015. Collection method: clinical testing. Allele origin: germline.

Labcorp Genetics (formerly Invitae), Labcorp
Classification: Pathogenic for Congenital muscular dystrophy due to integrin alpha-7 deficiency. Last evaluated: 2024-04-06. Review status: criteria provided, single submitter. Criteria: Invitae Variant Classification Sherloc (09022015). Collection method: clinical testing. Allele origin: germline.
Comment: This sequence change creates a premature translational stop signal (p.Tyr356*) in the ITGA7 gene. It is expected to result in an absent or disrupted protein product. Loss-of-function variants in ITGA7 are known to be pathogenic (PMID: 9590299). This variant is not present in population databases (gnomAD no frequency). This variant has not been reported in the literature in individuals affected with ITGA7-related conditions. Algorithms developed to predict the effect of sequence changes on RNA splicing suggest that this variant may disrupt the consensus splice site. For these reasons, this variant has been classified as Pathogenic.

Literature cited by the submitters: PubMed 9590299 (cited by Labcorp Genetics (formerly Invitae), Labcorp).

NM_002206.3(ITGA7):c.1068T>A (p.Tyr356Ter)

Gene: ITGA7 (integrin subunit alpha 7; minus strand). Cytogenetic location: 12q13.2.
Variant type: single nucleotide variant.
Coding change: c.1068T>A on transcript NM_002206.3 (MANE Select); coding-DNA position 1068, T replaced by A.
Protein change: p.Tyr356Ter; replaces tyrosine 356 with a stop codon.
Molecular consequence: nonsense. On other transcripts: 5 prime UTR variant (1), intron variant (2).
Genome position (GRCh38, 1-based): chr12:55,698,507, A>T on the plus strand (T>A on the coding strand, the complement: ITGA7 is on the minus strand). VCF-style: chr12-55698507-A-T. GRCh37 (hg19) VCF-style: chr12-56092291-A-T.
Other names: c.1080T>A, p.Tyr360Ter (NM_001144996.2, NM_001414029.1); c.789T>A, p.Tyr263Ter (NM_001144997.2); c.741T>A, p.Tyr247Ter (NM_001367993.1); c.-225T>A (NM_001367994.1); c.1068T>A, p.Tyr356Ter (NM_001374465.1, NM_001414034.1); c.1200T>A, p.Tyr400Ter (NM_001410977.1); c.948T>A, p.Tyr316Ter (NM_001414032.1); c.885T>A, p.Tyr295Ter (NM_001414033.1); and 3 more; short protein forms Y243*, Y247*, Y263*, Y295*, Y316*, Y356*, Y360*, Y400*.
Identifiers: ClinVar variation 3607673 (VCV003607673.3).